The following is an entry in ClinVar:

NM_014915.3(ANKRD26):c.2548A>G (p.Asn850Asp)

Gene: ANKRD26 (ankyrin repeat domain containing 26; minus strand). Cytogenetic location: 10p12.1.
Variant type: single nucleotide variant.
Coding change: c.2548A>G on transcript NM_014915.3 (MANE Select); coding-DNA position 2548, A replaced by G.
Protein change: p.Asn850Asp; replaces asparagine 850 with aspartic acid.
Molecular consequence: missense variant.
Genome position (GRCh38, 1-based): chr10:27,037,882, T>C on the plus strand (A>G on the coding strand, the complement: ANKRD26 is on the minus strand). VCF-style: chr10-27037882-T-C. GRCh37 (hg19) VCF-style: chr10-27326811-T-C.
Other names: c.2545A>G, p.Asn849Asp (NM_001256053.2); short protein forms N850D, N849D.
Identifiers: ClinVar variation 3869219 (VCV003869219.1).
Genomic context (GRCh38, chr10:27,037,882, plus strand): 5'-TGATGAAATAAAGTTAAAAATATAAAATTTTTATCAAAAATTAATTTACCTGATTCAAAT[T>C]ACTTTTTACAGTCCTCAATTCCATCTCCAGTGTTTGGAGACTCAGTTCAAGCTGTTGTTT-3'
Protein context (NP_055730.2, residues 840-860): LEMELRTVKS[Asn850Asp]LNQVVQERND

ClinVar aggregate classification (germline): Uncertain significance (1 of 4 stars; one submission).

Conditions:
Inborn genetic diseases. Identifiers: MedGen C0950123, MeSH D030342.

Submission:

Ambry Genetics
Classification: Uncertain significance for Inborn genetic diseases. Last evaluated: 2024-12-12. Review status: criteria provided, single submitter. Criteria: Ambry Variant Classification Scheme 2023. Collection method: clinical testing. Allele origin: germline.
Comment: The p.N850D variant (also known as c.2548A>G), located in coding exon 22 of the ANKRD26 gene, results from an A to G substitution at nucleotide position 2548. The asparagine at codon 850 is replaced by aspartic acid, an amino acid with highly similar properties. This amino acid position is conserved. In addition, this alteration is predicted to be tolerated by in silico analysis. Based on the available evidence, the clinical significance of this variant remains unclear.